The following is an entry in ClinVar:

NM_017780.4(CHD7):c.5842G>A (p.Val1948Met)

Gene: CHD7 (chromodomain helicase DNA binding protein 7; plus strand). Cytogenetic location: 8q12.2.
Variant type: single nucleotide variant.
Coding change: c.5842G>A on transcript NM_017780.4 (MANE Select); coding-DNA position 5842, G replaced by A.
Protein change: p.Val1948Met; replaces valine 1948 with methionine.
Molecular consequence: missense variant. On other transcripts: intron variant (1).
Genome position (GRCh38, 1-based): chr8:60,852,195, G>A. VCF-style: chr8-60852195-G-A. GRCh37 (hg19) VCF-style: chr8-61764754-G-A.
Other names: c.1717-10034G>A (NM_001316690.1); short protein forms V1948M.
Identifiers: ClinVar variation 2418258 (VCV002418258.7), dbSNP rs2488031344, ClinGen allele CA371323170.

ClinVar aggregate classification (germline): Uncertain significance. Review status: criteria provided, multiple submitters, no conflicts (2 of 4 stars). 2 submissions from 2 submitters: Uncertain significance (2). Last evaluated 2024-04-28.

Conditions:
CHARGE syndrome (CHARGE). Also called: Hittner Hirsch Kreh syndrome; CHARGE ASSOCIATION--COLOBOMA, HEART ANOMALY, CHOANAL ATRESIA, RETARDATION, GENITAL AND EAR ANOMALIES; Coloboma, heart anomaly, choanal atresia, retardation, genital and ear anomalies; CHARGE association; Hall-Hittner syndrome. Identifiers: Orphanet 138, MedGen C0265354, MONDO:0008965.
Hypogonadotropic hypogonadism 5 with or without anosmia (KAL5). Also called: HYPOGONADOTROPIC HYPOGONADISM 5 WITH ANOSMIA; HYPOGONADOTROPHIC HYPOGONADISM 5 WITHOUT ANOSMIA; CHD7-Related GnRH Deficiency (Kallmann Syndrome 5). Identifiers: Orphanet 478, MedGen C3552553, MONDO:0012880, OMIM 612370. Disease mechanism: loss of function.

gnomAD v4.1: 1 of 1,613,900 alleles (0.000062%); no homozygotes.

Submissions (2):

Fulgent Genetics
Classification: Uncertain significance for CHD7-related CHARGE syndrome; Hypogonadotropic hypogonadism 5 with or without anosmia. Last evaluated: 2024-04-28. Review status: criteria provided, single submitter. Criteria: ACMG Guidelines, 2015. Collection method: clinical testing. Allele origin: germline.

Labcorp Genetics (formerly Invitae), Labcorp
Classification: Uncertain significance for CHARGE syndrome. Last evaluated: 2022-10-07. Review status: criteria provided, single submitter. Criteria: Invitae Variant Classification Sherloc (09022015). Collection method: clinical testing. Allele origin: germline.
Comment: This sequence change replaces valine, which is neutral and non-polar, with methionine, which is neutral and non-polar, at codon 1948 of the CHD7 protein (p.Val1948Met). This variant is not present in population databases (gnomAD no frequency). This variant has not been reported in the literature in individuals affected with CHD7-related conditions. Advanced modeling of protein sequence and biophysical properties (such as structural, functional, and spatial information, amino acid conservation, physicochemical variation, residue mobility, and thermodynamic stability) performed at Invitae indicates that this missense variant is not expected to disrupt CHD7 protein function. In summary, the available evidence is currently insufficient to determine the role of this variant in disease. Therefore, it has been classified as a Variant of Uncertain Significance.